The following is an entry in ClinVar:

NM_001243133.2(NLRP3):c.1288C>T (p.Leu430Phe)

Gene: NLRP3 (NLR family pyrin domain containing 3; plus strand). Cytogenetic location: 1q44.
Variant type: single nucleotide variant.
Coding change: c.1288C>T on transcript NM_001243133.2 (MANE Select); coding-DNA position 1288, C replaced by T.
Protein change: p.Leu430Phe; replaces leucine 430 with phenylalanine.
Molecular consequence: missense variant.
Genome position (GRCh38, 1-based): chr1:247,424,737, C>T. VCF-style: chr1-247424737-C-T. GRCh37 (hg19) VCF-style: chr1-247588039-C-T.
Other names: c.1288C>T, p.Leu430Phe (NM_001079821.3, NM_001127461.3, NM_001127462.3 and 1 more transcripts); c.1294C>T, p.Leu432Phe (NM_004895.5); short protein forms L432F, L430F.
Identifiers: ClinVar variation 4795478 (VCV004795478.1).
Genomic context (GRCh38, chr1:247,424,737, plus strand): 5'-CCCCTGGTCTGCTGGATCGTGTGCACTGGACTGAAACAGCAGATGGAGAGTGGCAAGAGC[C>T]TTGCCCAGACATCCAAGACCACCACCGCGGTGTACGTCTTCTTCCTTTCCAGTTTGCTGC-3'
Protein context (NP_001230062.1, residues 420-440): LKQQMESGKS[Leu430Phe]AQTSKTTTAV

ClinVar aggregate classification (germline): Uncertain significance (1 of 4 stars; one submission).

Submission:

GeneDx
Classification: Uncertain significance. Last evaluated: 2025-02-04. Review status: criteria provided, single submitter. Criteria: GeneDx Variant Classification Process June 2021. Collection method: clinical testing. Allele origin: germline. Affected: yes.
Comment: Not observed at significant frequency in large population cohorts (gnomAD); In silico analysis supports that this missense variant has a deleterious effect on protein structure/function; Has not been previously published as pathogenic or benign to our knowledge; Also known as p.(L430F); This variant is associated with the following publications: (PMID: 19302049)